The following is an entry in ClinVar:

NM_004006.3(DMD):c.8218-1G>C

Gene: DMD (dystrophin; minus strand). Cytogenetic location: Xp21.1.
Variant type: single nucleotide variant.
Coding change: c.8218-1G>C on transcript NM_004006.3 (MANE Select); the canonical splice acceptor site of the intron before coding-DNA position 8218, G replaced by C.
Molecular consequence: splice acceptor variant.
Genome position (GRCh38, 1-based): chrX:31,507,454, C>G on the plus strand (G>C on the coding strand, the complement: DMD is on the minus strand). VCF-style: chrX-31507454-C-G. GRCh37 (hg19) VCF-style: chrX-31525571-C-G.
Other names: c.8194-1G>C (NM_000109.4); c.4195-1G>C (NM_004011.4); c.4186-1G>C (NM_004012.4); c.838-1G>C (NM_004023.3, NM_004020.4, NM_004022.3 and 2 more transcripts); c.31-1G>C (NM_004014.3); c.8206-1G>C (NM_004009.3); c.7849-1G>C (NM_004010.3).
Identifiers: ClinVar variation 2690586 (VCV002690586.3), dbSNP rs2525977277, ClinGen allele CA412656455.

ClinVar aggregate classification (germline): Likely pathogenic. Review status: criteria provided, multiple submitters, no conflicts (2 of 4 stars). 2 submissions from 2 submitters: Likely pathogenic (2). Last evaluated 2024-11-20.

Conditions:
Becker muscular dystrophy, Cardiomyopathy, Duchenne muscular dystrophy, Dystrophin deficiency.

Submissions (2):

Natera, Inc.
Classification: Likely pathogenic for Becker muscular dystrophy, Cardiomyopathy, Duchenne muscular dystrophy, Dystrophin deficiency. Last evaluated: 2024-11-20. Review status: criteria provided, single submitter. Criteria: Natera Variant Classification Schema (03/2026). Collection method: clinical testing. Allele origin: germline.
Comment: The c.8218-1G>C variant in DMD is a canonical splice acceptor site variant predicted to affect pre-mRNA splicing, which may result in an abnormal transcript and altered protein product. This variant is expected to result in nonsense mediated decay, truncation, or a dysfunctional protein product. This variant is rare in the general population with a frequency below the threshold expected for the associated phenotype(s). Given the available evidence, this variant is classified as Likely Pathogenic.

Revvity Omics, Revvity
Classification: Likely pathogenic. Last evaluated: 2023-03-24. Review status: criteria provided, single submitter. Criteria: ACMG Guidelines, 2015. Collection method: clinical testing. Allele origin: germline.